The following is an entry in ClinVar:

ClinVar aggregate classification (germline): Benign. Review status: criteria provided, multiple submitters, no conflicts (2 of 4 stars). 4 submissions from 4 submitters: Benign (4). Last evaluated 2026-02-03.

Allele frequency attached by ClinVar (database versions not stated): 1000 Genomes Project 30x 0.10290; 1000 Genomes Project 0.10503; TOPMed 0.10631; gnomAD 0.11569 and 0.11955; ESP Exome Variant Server 0.12835; gnomAD exomes 0.14599 and 0.15847; ExAC 0.14955.
gnomAD v4.1: 245,801 of 1,591,224 alleles (15%); highest among the groups gnomAD compares: South Asian, 23%; 21,091 homozygotes.

Submissions (4):

Labcorp Genetics (formerly Invitae), Labcorp
Classification: Benign. Last evaluated: 2026-02-03. Review status: criteria provided, single submitter. Criteria: Invitae Variant Classification Sherloc (09022015). Collection method: clinical testing. Allele origin: germline.

Blueprint Genetics
Classification: Benign. Last evaluated: 2024-11-26. Review status: criteria provided, single submitter. Criteria: ACMG Guidelines, 2015. Collection method: clinical testing. Allele origin: germline.

GeneDx
Classification: Benign. Last evaluated: 2015-12-18. Review status: criteria provided, single submitter. Criteria: GeneDx Variant Classification (06012015). Collection method: clinical testing. Allele origin: germline. Affected: yes.
Comment: This variant is considered likely benign or benign based on one or more of the following criteria: it is a conservative change, it occurs at a poorly conserved position in the protein, it is predicted to be benign by multiple in silico algorithms, and/or has population frequency not consistent with disease.

Breakthrough Genomics
Classification: Benign. Review status: criteria provided, single submitter. Criteria: ACMG Guidelines, 2015. Collection method: not provided. Allele origin: germline. Inheritance: Autosomal recessive inheritance. Affected: yes.

NM_007208.4(MRPL3):c.816+12A>C

Gene: MRPL3 (mitochondrial ribosomal protein L3; minus strand). Cytogenetic location: 3q22.1.
Variant type: single nucleotide variant.
Coding change: c.816+12A>C on transcript NM_007208.4 (MANE Select); 12 bases into the intron after coding-DNA position 816, A replaced by C.
Molecular consequence: intron variant.
Genome position (GRCh38, 1-based): chr3:131,469,684, T>G on the plus strand (A>C on the coding strand, the complement: MRPL3 is on the minus strand). VCF-style: chr3-131469684-T-G. GRCh37 (hg19) VCF-style: chr3-131188528-T-G.
Identifiers: ClinVar variation 380042 (VCV000380042.12), dbSNP rs2291382, ClinGen allele CA2616931.